The following is an entry in ClinVar:

ClinVar aggregate classification (germline): Benign. Review status: criteria provided, multiple submitters, no conflicts (2 of 4 stars). 2 submissions from 2 submitters: Benign (2). Last evaluated 2018-06-20.

Allele frequency attached by ClinVar (database versions not stated): gnomAD exomes 0.48322; 1000 Genomes Project 0.48682; 1000 Genomes Project 30x 0.48798; gnomAD 0.48956 and 0.49150; TOPMed 0.49226.
gnomAD v4.1: 449,810 of 928,332 alleles (48%); highest among the groups gnomAD compares: East Asian, 56%; 109,664 homozygotes.

Submissions (2):

GeneDx
Classification: Benign. Last evaluated: 2018-06-20. Review status: criteria provided, single submitter. Criteria: GeneDx Variant Classification (06012015). Collection method: clinical testing. Allele origin: germline. Affected: yes.
Comment: This variant is considered likely benign or benign based on one or more of the following criteria: it is a conservative change, it occurs at a poorly conserved position in the protein, it is predicted to be benign by multiple in silico algorithms, and/or has population frequency not consistent with disease.

Breakthrough Genomics
Classification: Benign. Review status: criteria provided, single submitter. Criteria: ACMG Guidelines, 2015. Collection method: not provided. Allele origin: germline. Inheritance: Unknown mechanism. Affected: yes.

NM_002907.4(RECQL):c.1216+66C>T

Gene: RECQL (RecQ like helicase; minus strand). Cytogenetic location: 12p12.1.
Variant type: single nucleotide variant.
Coding change: c.1216+66C>T on transcript NM_002907.4 (MANE Select); 66 bases into the intron after coding-DNA position 1216, C replaced by T.
Molecular consequence: intron variant.
Genome position (GRCh38, 1-based): chr12:21,475,402, G>A on the plus strand (C>T on the coding strand, the complement: RECQL is on the minus strand). VCF-style: chr12-21475402-G-A. GRCh37 (hg19) VCF-style: chr12-21628336-G-A.
Other names: c.1216+66C>T (NM_032941.3).
Identifiers: ClinVar variation 679687 (VCV000679687.2), dbSNP rs10841832, ClinGen allele CA15730181.
Genomic context (GRCh38, chr12:21,475,402, plus strand): 5'-CTAAAAATACATTGTTCTAAAAATACTATCCAATAAAGATAAAACATACAGACTTATTAA[G>A]CATTTATCATGTATTTTTTGGAAAAGCTTTCTAAAAATTTACTTCTGGATTTGAGTCCTA-3'